The following is an entry in ClinVar:

ClinVar aggregate classification (germline): Uncertain significance. Review status: criteria provided, multiple submitters, no conflicts (2 of 4 stars). 5 submissions from 5 submitters: Uncertain significance (4). 1 of the submissions does not count toward it. Last evaluated 2025-06-23.

Conditions:
Bloom syndrome (BLM). Also called: Bloom-Torre-Machacek syndrome. Identifiers: Orphanet 125, MedGen C0005859, MONDO:0008876, OMIM 210900.
Hereditary cancer-predisposing syndrome. Also called: Neoplastic Syndromes, Hereditary; Tumor predisposition; Hereditary neoplastic syndrome; Hereditary Cancer Syndrome. Identifiers: Orphanet 140162, MedGen C0027672, MeSH D009386, MONDO:0015356.

Allele frequency attached by ClinVar (database versions not stated): ExAC 0.00001; gnomAD exomes 0.00001; TOPMed 0.00001; ESP Exome Variant Server 0.00008.
gnomAD v4.1: 15 of 1,614,128 alleles (0.00093%); highest among the groups gnomAD compares: Non-Finnish European, 0.0013%; no homozygotes.

Submissions (5):

Labcorp Genetics (formerly Invitae), Labcorp
Classification: Uncertain significance for Bloom syndrome. Last evaluated: 2025-06-23. Review status: criteria provided, single submitter. Criteria: Invitae Variant Classification Sherloc (09022015). Collection method: clinical testing. Allele origin: germline.
Comment: This sequence change replaces proline, which is neutral and non-polar, with leucine, which is neutral and non-polar, at codon 115 of the BLM protein (p.Pro115Leu). This variant is present in population databases (rs371100621, gnomAD 0.007%). This variant has not been reported in the literature in individuals affected with BLM-related conditions. ClinVar contains an entry for this variant (Variation ID: 581513). An algorithm developed to predict the effect of missense changes on protein structure and function (PolyPhen-2) suggests that this variant is likely to be tolerated. In summary, the available evidence is currently insufficient to determine the role of this variant in disease. Therefore, it has been classified as a Variant of Uncertain Significance.

Quest Diagnostics Nichols Institute San Juan Capistrano
Classification: Uncertain significance. Last evaluated: 2025-06-14. Review status: criteria provided, single submitter. Criteria: Quest Diagnostics criteria. Collection method: clinical testing. Allele origin: unknown.
Comment: The BLM c.344C>T (p.Pro115Leu) variant has not been reported in individuals with BLM-related conditions in the published literature. The frequency of this variant in the general population (Genome Aggregation Database) is uninformative in the assessment of its pathogenicity. Analysis of this variant using a bioinformatics tool for the prediction of the effect of amino acid changes on protein structure and function yielded a prediction that this variant is benign. Based on the available information, we are unable to determine the clinical significance of this variant.

Ambry Genetics
Classification: Uncertain significance for Hereditary cancer-predisposing syndrome. Last evaluated: 2025-04-19. Review status: criteria provided, single submitter. Criteria: Ambry Variant Classification Scheme 2023. Collection method: clinical testing. Allele origin: germline.
Comment: The p.P115L variant (also known as c.344C>T), located in coding exon 2 of the BLM gene, results from a C to T substitution at nucleotide position 344. The proline at codon 115 is replaced by leucine, an amino acid with similar properties. This amino acid position is not well conserved in available vertebrate species. In addition, this alteration is predicted to be tolerated by in silico analysis. Since supporting evidence is limited at this time, the clinical significance of this alteration remains unclear.

GeneDx
Classification: Uncertain significance. Last evaluated: 2022-08-18. Review status: criteria provided, single submitter. Criteria: GeneDx Variant Classification Process June 2021. Collection method: clinical testing. Allele origin: germline. Affected: yes.
Comment: Not observed at significant frequency in large population cohorts (gnomAD); In silico analysis supports that this missense variant does not alter protein structure/function; Has not been previously published as pathogenic or benign to our knowledge

Natera, Inc.
Classification: Uncertain significance for Bloom syndrome. Last evaluated: 2020-08-13. Review status: no assertion criteria provided. Collection method: clinical testing. Allele origin: germline. Not counted in ClinVar's aggregate classification.

NM_000057.4(BLM):c.344C>T (p.Pro115Leu)

Gene: BLM (BLM RecQ like helicase; plus strand). Cytogenetic location: 15q26.1.
Variant type: single nucleotide variant.
Coding change: c.344C>T on transcript NM_000057.4 (MANE Select); coding-DNA position 344, C replaced by T.
Protein change: p.Pro115Leu; replaces proline 115 with leucine.
Molecular consequence: missense variant. On other transcripts: 5 prime UTR variant (1).
Genome position (GRCh38, 1-based): chr15:90,749,612, C>T. VCF-style: chr15-90749612-C-T. GRCh37 (hg19) VCF-style: chr15-91292842-C-T.
Other names: c.344C>T, p.Pro115Leu (NM_001287246.2, NM_001287247.2); c.-948C>T (NM_001287248.2); short protein forms P115L.
Identifiers: ClinVar variation 581513 (VCV000581513.17), dbSNP rs371100621, ClinGen allele CA7738278.